The following is an entry in ClinVar:

NM_001367624.2(ZNF469):c.10325G>C (p.Arg3442Thr)

Gene: ZNF469 (zinc finger protein 469; plus strand). Cytogenetic location: 16q24.2.
Variant type: single nucleotide variant.
Coding change: c.10325G>C on transcript NM_001367624.2 (MANE Select); coding-DNA position 10325, G replaced by C.
Protein change: p.Arg3442Thr; replaces arginine 3442 with threonine.
Molecular consequence: missense variant.
Genome position (GRCh38, 1-based): chr16:88,437,795, G>C. VCF-style: chr16-88437795-G-C. GRCh37 (hg19) VCF-style: chr16-88504203-G-C.
Other names: NM_001127464.1:c.10241G>C; NM_001127464.2:c.10241G>C; p.Arg3442Thr; short protein forms R3442T.
Identifiers: ClinVar variation 378872 (VCV000378872.51), dbSNP rs199528724, ClinGen allele CA8225494.
Genomic context (GRCh38, chr16:88,437,795, plus strand): 5'-CCTGCAACTACACCTTCGCCAAGAAGGAGCAGTTCGACCGCCACATGAACAAGCACCTCA[G>C]GGGGGGGCGGCAGCCCTTCGCGTTCCGCGGCGTGCGGAGGCCGGGAGCGCCGGGACAGAA-3'
Protein context (NP_001354553.1, residues 3432-3452): QFDRHMNKHL[Arg3442Thr]GGRQPFAFRG

ClinVar aggregate classification (germline): Benign/Likely benign. Review status: criteria provided, multiple submitters, no conflicts (2 of 4 stars). 12 submissions from 12 submitters: Benign (6); Likely benign (6). Last evaluated 2026-09-01.

Conditions:
Cardiovascular phenotype. Identifiers: MedGen CN230736.
Brittle cornea syndrome 1 (BCS1). Also called: Corneal fragility keratoglobus, blue sclerae AND joint hypermobility; DYSGENESIS MESODERMALIS CORNEAE ET SCLERAE; FRAGILITAS OCULI WITH JOINT HYPEREXTENSIBILITY; CORNEAL FRAGILITY, KERATOGLOBUS, BLUE SCLERAE, JOINT HYPEREXTENSIBILITY; EDS6B. Identifiers: Orphanet 90354, MedGen C0268344, MONDO:0024543, OMIM 229200.
Ehlers-Danlos syndrome (EDS). Identifiers: Orphanet 98249, MedGen C0013720, MONDO:0020066.

Allele frequency attached by ClinVar (database versions not stated): 1000 Genomes Project 0.00180; 1000 Genomes Project 30x 0.00265; ExAC 0.00686; TOPMed 0.00779.
gnomAD v4.1: 16,808 of 1,545,242 alleles (1.1%); highest among the groups gnomAD compares: Non-Finnish European, 1.2%; 115 homozygotes.

Submissions (12):

CeGaT Center for Human Genetics Tuebingen
Classification: Benign. Last evaluated: 2026-09-01. Review status: criteria provided, single submitter. Criteria: CeGaT Center For Human Genetics Tuebingen Variant Classification Criteria Version 2. Collection method: clinical testing. Allele origin: germline. Affected: yes. Observed: 44 variant alleles.
Comment: ZNF469: BP4, BS1, BS2

Labcorp Genetics (formerly Invitae), Labcorp
Classification: Benign. Last evaluated: 2026-02-04. Review status: criteria provided, single submitter. Criteria: Invitae Variant Classification Sherloc (09022015). Collection method: clinical testing. Allele origin: germline.

Genomic Medicine Center of Excellence, King Faisal Specialist Hospital and Research Centre
Classification: Likely benign. Last evaluated: 2025-08-18. Review status: criteria provided, single submitter. Criteria: ACMG Guidelines, 2015. Collection method: clinical testing. Allele origin: germline.

Blueprint Genetics
Classification: Likely benign. Last evaluated: 2024-11-27. Review status: criteria provided, single submitter. Criteria: ACMG Guidelines, 2015. Collection method: clinical testing. Allele origin: germline.

Mayo Clinic Laboratories, Mayo Clinic
Classification: Benign. Last evaluated: 2023-02-03. Review status: criteria provided, single submitter. Criteria: ACMG Guidelines, 2015. Collection method: clinical testing. Allele origin: germline. Observed: 82 variant alleles.
Comment: BS1, BS2, BP4

Genome Diagnostics Laboratory, The Hospital for Sick Children
Classification: Benign for Ehlers-Danlos syndrome. Last evaluated: 2022-06-23. Review status: criteria provided, single submitter. Criteria: ACMG Guidelines, 2015. Collection method: clinical testing. Allele origin: germline.

Fulgent Genetics
Classification: Likely benign for Brittle cornea syndrome 1. Last evaluated: 2022-03-23. Review status: criteria provided, single submitter. Criteria: ACMG Guidelines, 2015. Collection method: clinical testing. Allele origin: unknown.

Women's Health and Genetics/Laboratory Corporation of America, LabCorp
Classification: Likely benign. Last evaluated: 2021-12-10. Review status: criteria provided, single submitter. Criteria: LabCorp Variant Classification Summary - May 2015. Collection method: clinical testing. Allele origin: germline.

Genome-Nilou Lab
Classification: Benign for Brittle cornea syndrome 1. Last evaluated: 2021-12-05. Review status: criteria provided, single submitter. Criteria: ACMG Guidelines, 2015. Collection method: clinical testing. Allele origin: germline. Affected: no.

Ambry Genetics
Classification: Likely benign for Cardiovascular phenotype. Last evaluated: 2018-12-24. Review status: criteria provided, single submitter. Criteria: Ambry Variant Classification Scheme 2023. Collection method: clinical testing. Allele origin: germline.

GeneDx
Classification: Benign. Last evaluated: 2018-06-08. Review status: criteria provided, single submitter. Criteria: GeneDx Variant Classification Process June 2021. Collection method: clinical testing. Allele origin: germline. Affected: yes.
Comment: This variant is associated with the following publications: (PMID: 24895405, 26806788)

Breakthrough Genomics
Classification: Likely benign. Review status: criteria provided, single submitter. Criteria: ACMG Guidelines, 2015. Collection method: not provided. Allele origin: germline. Inheritance: Autosomal recessive inheritance. Affected: yes.